The following is an entry in ClinVar:

ClinVar aggregate classification (germline): Pathogenic (1 of 4 stars; one submission).

Allele frequency attached by ClinVar (database versions not stated): gnomAD exomes 0.00001.

Submission:

Labcorp Genetics (formerly Invitae), Labcorp
Classification: Pathogenic. Last evaluated: 2022-05-27. Review status: criteria provided, single submitter. Criteria: Invitae Variant Classification Sherloc (09022015). Collection method: clinical testing. Allele origin: germline.
Comment: For these reasons, this variant has been classified as Pathogenic. This variant has not been reported in the literature in individuals affected with PCDH15-related conditions. This variant is not present in population databases (gnomAD no frequency). This sequence change creates a premature translational stop signal (p.Glu897Argfs*4) in the PCDH15 gene. It is expected to result in an absent or disrupted protein product. Loss-of-function variants in PCDH15 are known to be pathogenic (PMID: 11398101, 11487575, 14570705).

Literature cited by the submitters: PubMed 11398101; PubMed 11487575; PubMed 14570705.

NM_001384140.1(PCDH15):c.2687dup (p.Glu897fs)

Gene: PCDH15 (protocadherin related 15; minus strand). Cytogenetic location: 10q21.1.
Variant type: Duplication.
Coding change: c.2687dup on transcript NM_001384140.1 (MANE Select); coding-DNA position 2687, one base duplicated (T; older notation c.2687dupT).
Protein change: p.Glu897fs; shifts the reading frame from glutamic acid 897.
Molecular consequence: frameshift variant.
Genome position (GRCh38, 1-based): chr10:54,020,256, A duplicated on the plus strand (T on the coding strand, the reverse complement: PCDH15 is on the minus strand). VCF-style (leftmost placement, unchanged base first): chr10-54020255-T-TA. GRCh37 (hg19) VCF-style: chr10-55780015-T-TA.
Other names: c.2702dup, p.Glu902fs (NM_001142763.2, NM_001142771.2); c.2687dup, p.Glu897fs (NM_001142764.2, NM_001142766.2, NM_001142770.3 and 5 more transcripts); c.2474dup, p.Glu826fs (NM_001142765.2); c.2576dup, p.Glu860fs (NM_001142767.2); c.2621dup, p.Glu875fs (NM_001142768.2, NM_001142773.2, NM_001354404.2); c.2723dup, p.Glu909Argfs (NM_001142769.4); c.2708dup, p.Glu904fs (NM_001354411.2); short protein forms E902fs, E875fs, E909fs, E860fs, E904fs, E826fs, E897fs.
Identifiers: ClinVar variation 2101161 (VCV002101161.4), dbSNP rs2539166522, ClinGen allele CA2580081622.